The following is an entry in ClinVar:

NM_000355.4(TCN2):c.868T>G (p.Ser290Ala)

Gene: TCN2 (transcobalamin 2; plus strand). Cytogenetic location: 22q12.2.
Variant type: single nucleotide variant.
Coding change: c.868T>G on transcript NM_000355.4 (MANE Select); coding-DNA position 868, T replaced by G.
Protein change: p.Ser290Ala; replaces serine 290 with alanine.
Molecular consequence: missense variant.
Genome position (GRCh38, 1-based): chr22:30,615,715, T>G. VCF-style: chr22-30615715-T-G. GRCh37 (hg19) VCF-style: chr22-31011702-T-G.
Other names: c.787T>G, p.Ser263Ala (NM_001184726.2); short protein forms S263A, S290A.
Identifiers: ClinVar variation 950060 (VCV000950060.7), dbSNP rs1423032257, ClinGen allele CA411213501.

ClinVar aggregate classification (germline): Uncertain significance (1 of 4 stars; one submission).

Conditions:
Transcobalamin II deficiency (TCN2D). Also called: TC II DEFICIENCY; TCN2 DEFICIENCY; Transcolabamin II deficiency. Identifiers: Orphanet 859, MedGen C0342701, MONDO:0010149, OMIM 275350.

Allele frequency attached by ClinVar (database versions not stated): gnomAD exomes below 0.00001.
gnomAD v4.1: 1 of 1,614,220 alleles (0.000062%); highest among the groups gnomAD compares: Non-Finnish European, 0.000085%; no homozygotes.

Submission:

Labcorp Genetics (formerly Invitae), Labcorp
Classification: Uncertain significance for Transcobalamin II deficiency. Last evaluated: 2021-08-27. Review status: criteria provided, single submitter. Criteria: Invitae Variant Classification Sherloc (09022015). Collection method: clinical testing. Allele origin: germline.
Comment: This sequence change replaces serine with alanine at codon 290 of the TCN2 protein (p.Ser290Ala). The serine residue is highly conserved and there is a moderate physicochemical difference between serine and alanine. This variant is not present in population databases (ExAC no frequency). This variant has not been reported in the literature in individuals affected with TCN2-related conditions. Algorithms developed to predict the effect of missense changes on protein structure and function are either unavailable or do not agree on the potential impact of this missense change (SIFT: "Tolerated"; PolyPhen-2: "Possibly Damaging"; Align-GVGD: "Class C0"). In summary, the available evidence is currently insufficient to determine the role of this variant in disease. Therefore, it has been classified as a Variant of Uncertain Significance.